The following is an entry in ClinVar:

ClinVar aggregate classification (germline): Uncertain significance (1 of 4 stars; one submission).

Conditions:
Disseminated atypical mycobacterial infection. Identifiers: MedGen C0694566.

gnomAD v4.1: 11 of 1,613,988 alleles (0.00068%); highest among the groups gnomAD compares: Non-Finnish European, 0.00093%; no homozygotes.

Submission:

Labcorp Genetics (formerly Invitae), Labcorp
Classification: Uncertain significance for Disseminated atypical mycobacterial infection. Last evaluated: 2025-01-16. Review status: criteria provided, single submitter. Criteria: Invitae Variant Classification Sherloc (09022015). Collection method: clinical testing. Allele origin: germline.
Comment: This sequence change replaces lysine, which is basic and polar, with threonine, which is neutral and polar, at codon 450 of the IFNGR1 protein (p.Lys450Thr). This variant is present in population databases (no rsID available, gnomAD 0.002%). This variant has not been reported in the literature in individuals affected with IFNGR1-related conditions. Invitae Evidence Modeling of protein sequence and biophysical properties (such as structural, functional, and spatial information, amino acid conservation, physicochemical variation, residue mobility, and thermodynamic stability) indicates that this missense variant is not expected to disrupt IFNGR1 protein function with a negative predictive value of 80%. In summary, the available evidence is currently insufficient to determine the role of this variant in disease. Therefore, it has been classified as a Variant of Uncertain Significance.

NM_000416.3(IFNGR1):c.1349A>C (p.Lys450Thr)

Gene: IFNGR1 (interferon gamma receptor 1; minus strand). Cytogenetic location: 6q23.3.
Variant type: single nucleotide variant.
Coding change: c.1349A>C on transcript NM_000416.3 (MANE Select); coding-DNA position 1349, A replaced by C.
Protein change: p.Lys450Thr; replaces lysine 450 with threonine.
Molecular consequence: missense variant.
Genome position (GRCh38, 1-based): chr6:137,198,152, T>G on the plus strand (A>C on the coding strand, the complement: IFNGR1 is on the minus strand). VCF-style: chr6-137198152-T-G. GRCh37 (hg19) VCF-style: chr6-137519289-T-G.
Other names: c.1319A>C, p.Lys440Thr (NM_001363526.1); c.1226A>C, p.Lys409Thr (NM_001363527.1); short protein forms K409T, K440T, K450T.
Identifiers: ClinVar variation 3624549 (VCV003624549.2).
Genomic context (GRCh38, chr6:137,198,152, plus strand): 5'-TCATCCACAAGTAGATCCACTAGCACATGTGGTTTATCATAACCAAAGGAGGTGGGGGCT[T>G]TTATTACGGTTATGAGCTCTTGTCCTTCTGTTTTTATTTCACCTTTATTATTTGGGGGAA-3'
Protein context (NP_000407.1, residues 440-460): TEGQELITVI[Lys450Thr]APTSFGYDKP